The following is an entry in ClinVar:

ClinVar aggregate classification (germline): Likely benign (1 of 4 stars; one submission).

Submission:

CeGaT Center for Human Genetics Tuebingen
Classification: Likely benign. Last evaluated: 2024-03-01. Review status: criteria provided, single submitter. Criteria: CeGaT Center For Human Genetics Tuebingen Variant Classification Criteria Version 2. Collection method: clinical testing. Allele origin: germline. Affected: yes. Observed: 1 variant allele.
Comment: AHNAK: PM2:Supporting, BP4, BP7

NM_001620.3(AHNAK):c.12504C>T (p.Pro4168=)

Gene: AHNAK (AHNAK nucleoprotein; minus strand). Cytogenetic location: 11q12.3.
Variant type: single nucleotide variant.
Coding change: c.12504C>T on transcript NM_001620.3 (MANE Select); coding-DNA position 12504, C replaced by T.
Protein change: p.Pro4168=; no amino-acid change (proline 4168 retained).
Molecular consequence: synonymous variant. On other transcripts: intron variant (1).
Genome position (GRCh38, 1-based): chr11:62,521,913, G>A on the plus strand (C>T on the coding strand, the complement: AHNAK is on the minus strand). VCF-style: chr11-62521913-G-A. GRCh37 (hg19) VCF-style: chr11-62289385-G-A.
Other names: c.12504C>T, p.Pro4168= (NM_001346445.2, NM_001346446.2); c.342+13090C>T (NM_024060.4).
Identifiers: ClinVar variation 3234492 (VCV003234492.20), dbSNP rs2495635296, ClinGen allele CA475119031.